The following is an entry in ClinVar:

NM_000264.5(PTCH1):c.171C>G (p.Asp57Glu)

Gene: PTCH1 (patched 1; minus strand). Cytogenetic location: 9q22.32.
Variant type: single nucleotide variant.
Coding change: c.171C>G on transcript NM_000264.5 (MANE Select); coding-DNA position 171, C replaced by G.
Protein change: p.Asp57Glu; replaces aspartic acid 57 with glutamic acid.
Molecular consequence: missense variant. On other transcripts: non-coding transcript variant (1), intron variant (3).
Genome position (GRCh38, 1-based): chr9:95,508,191, G>C on the plus strand (C>G on the coding strand, the complement: PTCH1 is on the minus strand). VCF-style: chr9-95508191-G-C. GRCh37 (hg19) VCF-style: chr9-98270473-G-C.
Other names: c.171C>G (NM_000264.3); c.171C>G, p.Asp57Glu (NM_001354918.2); c.199-1592C>G (NM_001083603.3); c.4-1592C>G (NM_001083602.3, NM_001354919.2); short protein forms D57E.
Identifiers: ClinVar variation 1513692 (VCV001513692.9), dbSNP rs1485701312, ClinGen allele CA374121300.

ClinVar aggregate classification (germline): Uncertain significance. Review status: criteria provided, multiple submitters, no conflicts (2 of 4 stars). 2 submissions from 2 submitters: Uncertain significance (2). Last evaluated 2025-04-11.

Conditions:
Gorlin syndrome. Also called: Basal cell nevus syndrome; Nevoid Basal Cell Carcinoma Syndrome. Identifiers: Orphanet 377, MedGen C0004779, MONDO:0007187.
Hereditary cancer-predisposing syndrome. Also called: Neoplastic Syndromes, Hereditary; Hereditary Cancer Syndrome; Tumor predisposition; Hereditary neoplastic syndrome. Identifiers: Orphanet 140162, MedGen C0027672, MeSH D009386, MONDO:0015356.

Submissions (2):

Ambry Genetics
Classification: Uncertain significance for Hereditary cancer-predisposing syndrome. Last evaluated: 2025-04-11. Review status: criteria provided, single submitter. Criteria: Ambry Variant Classification Scheme 2023. Collection method: clinical testing. Allele origin: germline.
Comment: The p.D57E variant (also known as c.171C>G), located in coding exon 1 of the PTCH1 gene, results from a C to G substitution at nucleotide position 171. The aspartic acid at codon 57 is replaced by glutamic acid, an amino acid with highly similar properties. This amino acid position is conserved. In addition, the in silico prediction for this alteration is inconclusive. Based on the available evidence, the clinical significance of this variant remains unclear.

Labcorp Genetics (formerly Invitae), Labcorp
Classification: Uncertain significance for Gorlin syndrome. Last evaluated: 2020-12-31. Review status: criteria provided, single submitter. Criteria: Invitae Variant Classification Sherloc (09022015). Collection method: clinical testing. Allele origin: germline.
Comment: In summary, the available evidence is currently insufficient to determine the role of this variant in disease. Therefore, it has been classified as a Variant of Uncertain Significance. Advanced modeling of protein sequence and biophysical properties (such as structural, functional, and spatial information, amino acid conservation, physicochemical variation, residue mobility, and thermodynamic stability) performed at Invitae indicates that this missense variant is not expected to disrupt PTCH1 protein function. This variant has not been reported in the literature in individuals with PTCH1-related conditions. This variant is not present in population databases (ExAC no frequency). This sequence change replaces aspartic acid with glutamic acid at codon 57 of the PTCH1 protein (p.Asp57Glu). The aspartic acid residue is moderately conserved and there is a small physicochemical difference between aspartic acid and glutamic acid.